The following is an entry in ClinVar:

NM_003119.4(SPG7):c.1948G>A (p.Asp650Asn)

Gene: SPG7 (SPG7 matrix AAA peptidase subunit, paraplegin; plus strand). Cytogenetic location: 16q24.3.
Variant type: single nucleotide variant.
Coding change: c.1948G>A on transcript NM_003119.4 (MANE Select); coding-DNA position 1948, G replaced by A.
Protein change: p.Asp650Asn; replaces aspartic acid 650 with asparagine.
Molecular consequence: missense variant.
Genome position (GRCh38, 1-based): chr16:89,553,805, G>A. VCF-style: chr16-89553805-G-A. GRCh37 (hg19) VCF-style: chr16-89620213-G-A.
Other names: p.Asp650Asn; c.1948G>A, p.Asp650Asn (NM_001363850.1); short protein forms D650N.
Identifiers: ClinVar variation 220101 (VCV000220101.66), dbSNP rs769602042, ClinGen allele CA349575.

ClinVar aggregate classification (germline): Conflicting classifications of pathogenicity. Review status: criteria provided, conflicting classifications (1 of 4 stars). 11 submissions from 11 submitters: Pathogenic (4); Likely pathogenic (6); Uncertain significance (1). Last evaluated 2025-12-10.

Conditions:
SPG7-related disorder. Also called: SPG7-related condition.
Leukoencephalopathy with vanishing white matter 1 (VWM1). Also called: Vanishing white matter leukodystrophy; EIF2B1-Related Childhood Ataxia with Central Nervous System Hypomyelination/Vanishing White Matter; Cree leukoencephalopathy; CHILDHOOD ATAXIA WITH CENTRAL NERVOUS SYSTEM HYPOMYELINIZATION. Identifiers: Orphanet 99854, MedGen C5779972, MONDO:0020507, OMIM 603896.
Hereditary spastic paraplegia 7 (SPG7). Also called: SPG7-related neurologic disorder; Spastic paraplegia 7; Hereditary spastic paraplegia Paraplegin type; Autosomal recessive spastic paraplegia type 7; SPASTIC PARAPLEGIA 7, AUTOSOMAL RECESSIVE, WITH OR WITHOUT CEREBELLAR ATAXIA. Identifiers: Orphanet 99013, MedGen C1846564, MONDO:0011803, OMIM 607259.

Allele frequency attached by ClinVar (database versions not stated): ExAC 0.00002; gnomAD exomes 0.00002; TOPMed 0.00003; gnomAD 0.00004 and 0.00005.
gnomAD v4.1: 31 of 1,613,334 alleles (0.0019%); highest among the groups gnomAD compares: Admixed American, 0.013%; no homozygotes.

Submissions (11):

GeneDx
Classification: Likely pathogenic. Last evaluated: 2025-12-10. Review status: criteria provided, single submitter. Criteria: GeneDx Variant Classification Process June 2021. Collection method: clinical testing. Allele origin: germline.
Comment: Reported in an individual with adult-onset ataxia who did not harbor a second detectable SPG7 variant (PMID: 25133958) and in trans with a second SPG7 variant in siblings with adult-onset ataxia (PMID: 32204931); In silico analysis supports that this missense variant has a deleterious effect on protein structure/function; This variant is associated with the following publications: (PMID: 31433872, 32204931, 22571692, 33841295, 25133958, 39894496, 34500365)

Labcorp Genetics (formerly Invitae), Labcorp
Classification: Pathogenic for Hereditary spastic paraplegia 7. Last evaluated: 2025-12-03. Review status: criteria provided, single submitter. Criteria: Invitae Variant Classification Sherloc (09022015). Collection method: clinical testing. Allele origin: germline.
Comment: This sequence change replaces aspartic acid, which is acidic and polar, with asparagine, which is neutral and polar, at codon 650 of the SPG7 protein (p.Asp650Asn). This variant is present in population databases (rs769602042, gnomAD 0.009%). This missense change has been observed in individual(s) with clinical features of hereditary spastic paraplegia (PMID: 31433872, 32204931; internal data). In at least one individual the data is consistent with being in trans (on the opposite chromosome) from a pathogenic variant. It has also been observed to segregate with disease in related individuals. ClinVar contains an entry for this variant (Variation ID: 220101). Invitae Evidence Modeling of protein sequence and biophysical properties (such as structural, functional, and spatial information, amino acid conservation, physicochemical variation, residue mobility, and thermodynamic stability) indicates that this missense variant is expected to disrupt SPG7 protein function with a positive predictive value of 80%. For these reasons, this variant has been classified as Pathogenic.

Genomic Medicine Center of Excellence, King Faisal Specialist Hospital and Research Centre
Classification: Likely pathogenic for Leukoencephalopathy with vanishing white matter 1. Last evaluated: 2025-09-10. Review status: criteria provided, single submitter. Criteria: ACMG Guidelines, 2015. Collection method: clinical testing. Allele origin: germline.

PreventionGenetics, part of Exact Sciences
Classification: Likely pathogenic for SPG7-related condition. Last evaluated: 2025-06-05. Review status: criteria provided, single submitter. Criteria: ACMG Guidelines, 2015. Collection method: clinical testing. Allele origin: germline.
Comment: The SPG7 c.1948G>A variant is predicted to result in the amino acid substitution p.Asp650Asn. This variant was reported in at least five individuals with autosomal recessive cerebellar ataxia and/or spastic paraplegia, in four cases it was reported together with a second SPG7 variant (Table 2, single variant only. Fogel et al. 2014. PubMed ID: 25133958; Table 1 cases 3, 4, 18. De la Casa-Fages et al. 2019. PubMed ID: 31433872; Fernández-Moreno et al. 2020. PubMed ID: 32204931) and in the heterozygous state in an individual with optic neuropathy (Table S1, Charif et al. 2021. PubMed ID: 33841295). This variant is reported in 0.0087% of alleles in individuals of Latino descent in gnomAD. We interpret this variant as likely pathogenic.

Athena Diagnostics
Classification: Pathogenic. Last evaluated: 2025-04-01. Review status: criteria provided, single submitter. Criteria: Athena Diagnostics Criteria. Collection method: clinical testing. Allele origin: unknown.
Comment: The frequency of this variant in the general population is consistent with pathogenicity. This variant appears to be associated with disease in at least one family. In multiple individuals, this variant has been seen with a single recessive pathogenic variant in the same gene, suggesting this variant may also be pathogenic. The variant is located in a region that is considered important for protein function and/or structure.

Institute of Medical Genetics and Applied Genomics, University Hospital Tübingen
Classification: Likely pathogenic for Hereditary spastic paraplegia 7. Last evaluated: 2024-12-10. Review status: criteria provided, single submitter. Criteria: ACMG Guidelines, 2015. Collection method: clinical testing. Allele origin: germline. Inheritance: Autosomal recessive inheritance. Affected: yes.

Mayo Clinic Laboratories, Mayo Clinic
Classification: Likely pathogenic. Last evaluated: 2023-12-15. Review status: criteria provided, single submitter. Criteria: ACMG Guidelines, 2015. Collection method: clinical testing. Allele origin: germline. Observed: 1 variant allele.
Comment: PP1_strong, PP3, PM1_supporting, PM3_supporting

Women's Health and Genetics/Laboratory Corporation of America, LabCorp
Classification: Pathogenic for Hereditary spastic paraplegia 7. Last evaluated: 2023-11-08. Review status: criteria provided, single submitter. Criteria: LabCorp Variant Classification Summary - May 2015. Collection method: clinical testing. Allele origin: germline.
Comment: Variant summary: SPG7 c.1948G>A (p.Asp650Asn) results in a conservative amino acid change located in the Peptidase M41 domain (IPR000642) of the encoded protein sequence. Three of four in-silico tools predict a damaging effect of the variant on protein function. The variant allele was found at a frequency of 2e-05 in 250772 control chromosomes (gnomAD). c.1948G>A has been reported in the literature in multiple individuals affected with Hereditary Spastic Paraplegia 7 and the variant co-segregated with the disease (Fogel_2014, Dela Casa-Fages_2019, Fernndez-Moreno_2020, Charif_2021). These data indicate that the variant is very likely to be associated with disease. To our knowledge, no experimental evidence demonstrating an impact on protein function has been reported. The following publications have been ascertained in the context of this evaluation (PMID: 33841295, 31433872, 32204931, 25133958). Four submitters have cited clinical-significance assessments for this variant to ClinVar after 2014 and classified this variant as uncertain significance (n=1), likely pathogenic (n=1) and pathogenic (n=2). Based on the evidence outlined above, the variant was classified as pathogenic.

Revvity Omics, Revvity
Classification: Likely pathogenic for Hereditary spastic paraplegia 7. Last evaluated: 2023-01-26. Review status: criteria provided, single submitter. Criteria: ACMG Guidelines, 2015. Collection method: clinical testing. Allele origin: germline.

CeGaT Center for Human Genetics Tuebingen
Classification: Uncertain significance. Last evaluated: 2017-10-01. Review status: criteria provided, single submitter. Criteria: CeGaT Center For Human Genetics Tuebingen Variant Classification Criteria Version 2. Collection method: clinical testing. Allele origin: germline. Affected: yes. Observed: 1 variant allele.

Baylor Genetics
Classification: Pathogenic for Hereditary spastic paraplegia 7. Review status: criteria provided, single submitter. Criteria: ACMG Guidelines, 2015. Collection method: clinical testing. Allele origin: unknown.

Literature cited by the submitters: PubMed 31433872 (cited by 4 submitters); PubMed 32204931 (cited by 4 submitters); PubMed 25133958 (cited by 3 submitters); PubMed 33841295 (cited by Mayo Clinic Laboratories, Mayo Clinic and Women's Health and Genetics/Laboratory Corporation of America, LabCorp); PubMed 34500365 (cited by Mayo Clinic Laboratories, Mayo Clinic).